The following is an entry in ClinVar:

NM_021815.5(SLC5A7):c.1082G>A (p.Arg361Gln)

Gene: SLC5A7 (solute carrier family 5 member 7; plus strand). Cytogenetic location: 2q12.3.
Variant type: single nucleotide variant.
Coding change: c.1082G>A on transcript NM_021815.5 (MANE Select); coding-DNA position 1082, G replaced by A.
Protein change: p.Arg361Gln; replaces arginine 361 with glutamine.
Molecular consequence: missense variant.
Genome position (GRCh38, 1-based): chr2:108,008,651, G>A. VCF-style: chr2-108008651-G-A. GRCh37 (hg19) VCF-style: chr2-108625107-G-A.
Other names: c.1082G>A, p.Arg361Gln (NM_001305005.3); c.767G>A, p.Arg256Gln (NM_001305006.3); c.341G>A, p.Arg114Gln (NM_001305007.3); short protein forms R361Q, R114Q, R256Q.
Identifiers: ClinVar variation 265763 (VCV000265763.2), dbSNP rs147656110, ClinGen allele CA1819111.

ClinVar aggregate classification (germline): Likely pathogenic. Review status: criteria provided, single submitter (1 of 4 stars). 2 submissions from 2 submitters: Likely pathogenic (1). 1 of the submissions does not count toward it. Last evaluated 2025-07-23.

Conditions:
Congenital myasthenic syndrome 20. Also called: Myasthenic syndrome, congenital, 20, presynaptic. Identifiers: MedGen C4310694, MONDO:0014939, OMIM 617143.
Neuronopathy, distal hereditary motor, type 7A. Also called: SPINAL MUSCULAR ATROPHY, DISTAL, WITH VOCAL CORD PARALYSIS; Neuronopathy, distal hereditary motor, autosomal dominant 7; Neuronopathy, distal hereditary motor, type viia; NEURONOPATHY, DISTAL HEREDITARY MOTOR, HARDING TYPE VIIA; NEUROPATHY, DISTAL HEREDITARY MOTOR, HARDING TYPE VIIA; HARPER-YOUNG MYOPATHY. Identifiers: Orphanet 139589, MedGen C1834703, MONDO:0008024, OMIM 158580.

Allele frequency attached by ClinVar (database versions not stated): ExAC 0.00002; gnomAD 0.00001; gnomAD exomes 0.00001 and below 0.00001; ESP Exome Variant Server 0.00008.
gnomAD v4.1: 8 of 1,612,860 alleles (0.0005%); highest among the groups gnomAD compares: African/African-American, 0.0013%; no homozygotes.

Submissions (2):

Labcorp Genetics (formerly Invitae), Labcorp
Classification: Likely pathogenic for Neuronopathy, distal hereditary motor, type 7A; Congenital myasthenic syndrome 20. Last evaluated: 2025-07-23. Review status: criteria provided, single submitter. Criteria: Invitae Variant Classification Sherloc (09022015). Collection method: clinical testing. Allele origin: germline.
Comment: This sequence change replaces arginine, which is basic and polar, with glutamine, which is neutral and polar, at codon 361 of the SLC5A7 protein (p.Arg361Gln). This variant is present in population databases (rs147656110, gnomAD 0.0009%). This missense change has been observed in individual(s) with congenital myasthenic syndrome (PMID: 27569547). In at least one individual the data is consistent with being in trans (on the opposite chromosome) from a pathogenic variant. It has also been observed to segregate with disease in related individuals. ClinVar contains an entry for this variant (Variation ID: 265763). Invitae Evidence Modeling of protein sequence and biophysical properties (such as structural, functional, and spatial information, amino acid conservation, physicochemical variation, residue mobility, and thermodynamic stability) indicates that this missense variant is not expected to disrupt SLC5A7 protein function with a negative predictive value of 80%. Experimental studies have shown that this missense change affects SLC5A7 function (PMID: 27569547). In summary, the currently available evidence indicates that the variant is pathogenic, but additional data are needed to prove that conclusively. Therefore, this variant has been classified as Likely Pathogenic.

OMIM
Classification: Pathogenic for MYASTHENIC SYNDROME, CONGENITAL, 20, PRESYNAPTIC. Last evaluated: 2016-10-07. Review status: no assertion criteria provided. Collection method: literature only. Allele origin: germline. Not counted in ClinVar's aggregate classification.

Literature cited by the submitters: PubMed 27569547 (cited by Labcorp Genetics (formerly Invitae), Labcorp and OMIM).